The following is an entry in ClinVar:

ClinVar aggregate classification (germline): Uncertain significance. Review status: criteria provided, multiple submitters, no conflicts (2 of 4 stars). 2 submissions from 2 submitters: Uncertain significance (2). Last evaluated 2025-12-01.

Conditions:
Inborn genetic diseases. Identifiers: MedGen C0950123, MeSH D030342.
Myopathy with tubular aggregates (TAM). Also called: Tubular Aggregate Myopathy. Identifiers: Orphanet 2593, MedGen C0410207, MONDO:0008051.
Combined immunodeficiency due to STIM1 deficiency. Also called: STIM1 DEFICIENCY; IMMUNODEFICIENCY 10. Identifiers: Orphanet 169090, Orphanet 317430, MedGen C2748557, MONDO:0013008, OMIM 612783.
Stormorken syndrome (STRMK). Also called: THROMBOCYTOPATHY, ASPLENIA, AND MIOSIS. Identifiers: Orphanet 3204, MedGen C1861451, MONDO:0008497, OMIM 185070.

Allele frequency attached by ClinVar (database versions not stated): ExAC 0.00002.
gnomAD v4.1: 15 of 1,614,000 alleles (0.00093%); highest among the groups gnomAD compares: Admixed American, 0.0033%; no homozygotes.

Submissions (2):

Labcorp Genetics (formerly Invitae), Labcorp
Classification: Uncertain significance for Myopathy with tubular aggregates; Combined immunodeficiency due to STIM1 deficiency; Stormorken syndrome. Last evaluated: 2025-12-01. Review status: criteria provided, single submitter. Criteria: Invitae Variant Classification Sherloc (09022015). Collection method: clinical testing. Allele origin: germline.
Comment: This sequence change replaces arginine, which is basic and polar, with histidine, which is basic and polar, at codon 502 of the STIM1 protein (p.Arg502His). This variant is present in population databases (rs555016539, gnomAD 0.007%). This variant has not been reported in the literature in individuals affected with STIM1-related conditions. ClinVar contains an entry for this variant (Variation ID: 852471). Invitae Evidence Modeling of protein sequence and biophysical properties (such as structural, functional, and spatial information, amino acid conservation, physicochemical variation, residue mobility, and thermodynamic stability) has been performed for this missense variant. However, the output from this modeling did not meet the statistical confidence thresholds required to predict the impact of this variant on STIM1 protein function. In summary, the available evidence is currently insufficient to determine the role of this variant in disease. Therefore, it has been classified as a Variant of Uncertain Significance.

Ambry Genetics
Classification: Uncertain significance for Inborn genetic diseases. Last evaluated: 2023-04-25. Review status: criteria provided, single submitter. Criteria: Ambry Variant Classification Scheme 2023. Collection method: clinical testing. Allele origin: germline.

NM_001382567.1(STIM1):c.1598G>A (p.Arg533His)

Gene: STIM1 (stromal interaction molecule 1; plus strand). Cytogenetic location: 11p15.4.
Variant type: single nucleotide variant.
Coding change: c.1598G>A on transcript NM_001382567.1 (MANE Select); coding-DNA position 1598, G replaced by A.
Protein change: p.Arg533His; replaces arginine 533 with histidine.
Molecular consequence: missense variant. On other transcripts: non-coding transcript variant (3).
Genome position (GRCh38, 1-based): chr11:4,086,507, G>A. VCF-style: chr11-4086507-G-A. GRCh37 (hg19) VCF-style: chr11-4107737-G-A.
Other names: c.1505G>A, p.Arg502His (NM_001277961.3, NM_001277962.2, NM_003156.4); c.1283G>A, p.Arg428His (NM_001382566.1, NM_001382575.1, NM_001382576.1 and 3 more transcripts); c.1526G>A, p.Arg509His (NM_001382568.1); c.1370G>A, p.Arg457His (NM_001382569.1); c.1277G>A, p.Arg426His (NM_001382570.1); c.1025G>A, p.Arg342His (NM_001382571.1); c.1016G>A, p.Arg339His (NM_001382580.1, NM_001382581.1); short protein forms R502H, R339H, R342H, R426H, R428H, R457H, R509H, R533H.
Identifiers: ClinVar variation 852471 (VCV000852471.11), dbSNP rs555016539, ClinGen allele CA5830515.